The following is an entry in ClinVar:

NM_004577.4(PSPH):c.*490C>T

Gene: PSPH (phosphoserine phosphatase; minus strand). Cytogenetic location: 7p11.2.
Variant type: single nucleotide variant.
Coding change: c.*490C>T on transcript NM_004577.4 (MANE Select); 490 bases downstream of the stop codon, C replaced by T.
Molecular consequence: 3 prime UTR variant.
Genome position (GRCh38, 1-based): chr7:56,011,272, G>A on the plus strand (C>T on the coding strand, the complement: PSPH is on the minus strand). VCF-style: chr7-56011272-G-A. GRCh37 (hg19) VCF-style: chr7-56078965-G-A.
Other names: c.*490C>T (NM_001370503.1, NM_001370504.1, NM_001370505.1 and 17 more transcripts).
Identifiers: ClinVar variation 360494 (VCV000360494.6), dbSNP rs71543776, ClinGen allele CA10629271.
Genomic context (GRCh38, chr7:56,011,272, plus strand): 5'-ATAAAGAATTCAGATCACAAAACTCTCTAGGACATTGGCTGGGCGCGGTGGCCCAAGCCT[G>A]TAATCCCAGCACTTTGGGAGGCTGAGGCAGGCGGATCACAAGGTCAGGAGATCAAGACCA-3'

ClinVar aggregate classification (germline): Benign. Review status: criteria provided, multiple submitters, no conflicts (2 of 4 stars). 2 submissions from 2 submitters: Benign (2). Last evaluated 2018-01-13.

Conditions:
Deficiency of phosphoserine phosphatase (PSPHD). Also called: Phosphoserine phosphatase deficiency; PSPH deficiency. Identifiers: Orphanet 79350, MedGen C1291463, MONDO:0013531, OMIM 614023.

Allele frequency attached by ClinVar (database versions not stated): 1000 Genomes Project 30x 0.04747; 1000 Genomes Project 0.04852; gnomAD 0.05383 and 0.05475; TOPMed 0.05470.

Submissions (2):

Illumina Laboratory Services, Illumina
Classification: Benign for Deficiency of phosphoserine phosphatase. Last evaluated: 2018-01-13. Review status: criteria provided, single submitter. Criteria: ICSL Variant Classification Criteria 13 December 2019. Collection method: clinical testing. Allele origin: germline.
Comment: This variant was observed in the ICSL laboratory as part of a predisposition screen in an ostensibly healthy population. It had not been previously curated by ICSL or reported in the Human Gene Mutation Database (HGMD: prior to June 1st, 2018), and was therefore a candidate for classification through an automated scoring system. Utilizing variant allele frequency, disease prevalence and penetrance estimates, and inheritance mode, an automated score was calculated to assess if this variant is too frequent to cause the disease. Based on the score and internal cut-off values, a variant classified as benign is not then subjected to further curation. The score for this variant resulted in a classification of benign for this disease.

Breakthrough Genomics
Classification: Benign. Review status: criteria provided, single submitter. Criteria: ACMG Guidelines, 2015. Collection method: not provided. Allele origin: germline. Inheritance: Autosomal recessive inheritance. Affected: yes.